The following is an entry in ClinVar:

NM_015340.4(LARS2):c.2404+5G>A

Gene: LARS2 (leucyl-tRNA synthetase 2, mitochondrial; plus strand). Cytogenetic location: 3p21.31.
Variant type: single nucleotide variant.
Coding change: c.2404+5G>A on transcript NM_015340.4 (MANE Select); 5 bases into the intron after coding-DNA position 2404, G replaced by A.
Molecular consequence: intron variant.
Genome position (GRCh38, 1-based): chr3:45,524,113, G>A. VCF-style: chr3-45524113-G-A. GRCh37 (hg19) VCF-style: chr3-45565605-G-A.
Other names: c.2404+5G>A (NM_001368263.1).
Identifiers: ClinVar variation 505693 (VCV000505693.5), dbSNP rs752860955, ClinGen allele CA2349873.
Genomic context (GRCh38, chr3:45,524,113, plus strand): 5'-CCTGATGGTAATGGCTGCTCCACTGGCCCCTCATGTAACCTCAGAGATCTGGGCAGGTAC[G>A]TGGCAGAGTCCTTTTTTGACCAGTTACTACTAACTAGAATTTGTCGAAGCCTCTTTTTGA-3'

ClinVar aggregate classification (germline): Uncertain significance (1 of 4 stars; one submission).

Allele frequency attached by ClinVar (database versions not stated): gnomAD 0.00002 and 0.00001; TOPMed 0.00002; ExAC 0.00003; gnomAD exomes 0.00002 and 0.00001.
gnomAD v4.1: 11 of 1,580,916 alleles (0.0007%); highest among the groups gnomAD compares: Admixed American, 0.005%; no homozygotes.

Submissions (2):

Laboratory for Molecular Medicine, Mass General Brigham Personalized Medicine
Classification: Uncertain significance. Last evaluated: 2017-03-16. Review status: criteria provided, single submitter. Criteria: LMM Criteria. Collection method: clinical testing. Allele origin: germline. Observed: 1 variant allele.
Comment: The c.2404+5G>A variant in LARS2 has not been previously reported in individuals with hearing loss or Perrault syndrome, but has been identified in 3/33396 Lati no chromosomes by the Genome Aggregation Database (gnomAD; dbSNP rs752860955). Although this variant has been seen in the gene ral population, its frequency is not high enough to rule out a pathogenic role. This variant is located in the 5' splice region. Computational tools do not sugg est an impact to splicing. However, this information is not predictive enough to rule out pathogenicity. In summary, the clinical significance of the c.2404+5G> A variant is uncertain.

Dr. Peter K. Rogan Lab, Western University
No classification provided (evidence only). Condition: Sarcoma. Review status: no classification provided. Collection method: in vitro. Allele origin: not applicable. Functional consequence: skipped exon. Not counted in ClinVar's aggregate classification.